The following is an entry in ClinVar:

ClinVar aggregate classification (germline): Uncertain significance (1 of 4 stars; one submission).

Conditions:
Charcot-Marie-Tooth disease axonal type 2Z. Also called: CHARCOT-MARIE-TOOTH DISEASE, AXONAL, AUTOSOMAL DOMINANT, TYPE 2Z; CHARCOT-MARIE-TOOTH NEUROPATHY, TYPE 2Z. Identifiers: Orphanet 466768, MedGen C5569025, MONDO:0014736, OMIM 616688.

Submission:

Labcorp Genetics (formerly Invitae), Labcorp
Classification: Uncertain significance for Charcot-Marie-Tooth disease axonal type 2Z. Last evaluated: 2022-10-19. Review status: criteria provided, single submitter. Criteria: Invitae Variant Classification Sherloc (09022015). Collection method: clinical testing. Allele origin: germline.
Comment: This sequence change replaces arginine, which is basic and polar, with proline, which is neutral and non-polar, at codon 893 of the MORC2 protein (p.Arg893Pro). This variant is not present in population databases (gnomAD no frequency). This variant has not been reported in the literature in individuals affected with MORC2-related conditions. Advanced modeling of protein sequence and biophysical properties (such as structural, functional, and spatial information, amino acid conservation, physicochemical variation, residue mobility, and thermodynamic stability) performed at Invitae indicates that this missense variant is not expected to disrupt MORC2 protein function. In summary, the available evidence is currently insufficient to determine the role of this variant in disease. Therefore, it has been classified as a Variant of Uncertain Significance.

NM_001303256.3(MORC2):c.2678G>C (p.Arg893Pro)

Gene: MORC2 (MORC family CW-type zinc finger 2; minus strand). Cytogenetic location: 22q12.2.
Variant type: single nucleotide variant.
Coding change: c.2678G>C on transcript NM_001303256.3 (MANE Select); coding-DNA position 2678, G replaced by C.
Protein change: p.Arg893Pro; replaces arginine 893 with proline.
Molecular consequence: missense variant.
Genome position (GRCh38, 1-based): chr22:30,932,614, C>G on the plus strand (G>C on the coding strand, the complement: MORC2 is on the minus strand). VCF-style: chr22-30932614-C-G. GRCh37 (hg19) VCF-style: chr22-31328601-C-G.
Other names: c.2678G>C, p.Arg893Pro (NM_001303257.2); c.2492G>C, p.Arg831Pro (NM_014941.3); short protein forms R831P, R893P.
Identifiers: ClinVar variation 1720503 (VCV001720503.6), dbSNP rs202243108, ClinGen allele CA411231825.